The following is an entry in ClinVar:

ClinVar aggregate classification (germline): Likely benign (1 of 4 stars; one submission).

Submission:

CeGaT Center for Human Genetics Tuebingen
Classification: Likely benign. Last evaluated: 2025-02-01. Review status: criteria provided, single submitter. Criteria: CeGaT Center For Human Genetics Tuebingen Variant Classification Criteria Version 2. Collection method: clinical testing. Allele origin: germline. Affected: yes. Observed: 1 variant allele.
Comment: DIS3L2: PM2:Supporting, BP4, BP7

NM_152383.5(DIS3L2):c.45C>A (p.Thr15=)

Gene: DIS3L2 (DIS3 like 3'-5' exoribonuclease 2; plus strand). Cytogenetic location: 2q37.1.
Variant type: single nucleotide variant.
Coding change: c.45C>A on transcript NM_152383.5 (MANE Select); coding-DNA position 45, C replaced by A.
Protein change: p.Thr15=; no amino-acid change (threonine 15 retained).
Molecular consequence: synonymous variant. On other transcripts: non-coding transcript variant (2).
Genome position (GRCh38, 1-based): chr2:232,014,972, C>A. VCF-style: chr2-232014972-C-A. GRCh37 (hg19) VCF-style: chr2-232879682-C-A.
Other names: c.45C>A, p.Thr15= (NM_001257281.2, NM_001257282.2).
Identifiers: ClinVar variation 3772544 (VCV003772544.13).